The following is an entry in ClinVar:

ClinVar aggregate classification (germline): Uncertain significance. Review status: criteria provided, multiple submitters, no conflicts (2 of 4 stars). 2 submissions from 2 submitters: Uncertain significance (2). Last evaluated 2025-04-29.

Conditions:
Charcot-Marie-Tooth disease axonal type 2O. Also called: CHARCOT-MARIE-TOOTH NEUROPATHY, AXONAL, TYPE 2O; CHARCOT-MARIE-TOOTH DISEASE, AXONAL, AUTOSOMAL DOMINANT, TYPE 2O; Charcot-Marie-Tooth Neuropathy Type 2O; Charcot-Marie-Tooth disease, axonal, type 20. Identifiers: Orphanet 284232, MedGen C3280220, MONDO:0013644, OMIM 614228.

Allele frequency attached by ClinVar (database versions not stated): ExAC 0.00001.

Submissions (2):

Labcorp Genetics (formerly Invitae), Labcorp
Classification: Uncertain significance for Charcot-Marie-Tooth disease axonal type 2O. Last evaluated: 2025-04-29. Review status: criteria provided, single submitter. Criteria: Invitae Variant Classification Sherloc (09022015). Collection method: clinical testing. Allele origin: germline.
Comment: This sequence change replaces arginine, which is basic and polar, with cysteine, which is neutral and slightly polar, at codon 2694 of the DYNC1H1 protein (p.Arg2694Cys). This variant is present in population databases (rs761683655, gnomAD 0.003%). This variant has not been reported in the literature in individuals affected with DYNC1H1-related conditions. ClinVar contains an entry for this variant (Variation ID: 2576721). Invitae Evidence Modeling of protein sequence and biophysical properties (such as structural, functional, and spatial information, amino acid conservation, physicochemical variation, residue mobility, and thermodynamic stability) indicates that this missense variant is expected to disrupt DYNC1H1 protein function with a positive predictive value of 95%. In summary, the available evidence is currently insufficient to determine the role of this variant in disease. Therefore, it has been classified as a Variant of Uncertain Significance.

GeneDx
Classification: Uncertain significance. Last evaluated: 2023-02-21. Review status: criteria provided, single submitter. Criteria: GeneDx Variant Classification Process June 2021. Collection method: clinical testing. Allele origin: germline. Affected: yes.
Comment: In silico analysis supports that this missense variant has a deleterious effect on protein structure/function; Has not been previously published as pathogenic or benign to our knowledge; This variant is associated with the following publications: (PMID: 26100331, 25609763, 25512093)

NM_001376.5(DYNC1H1):c.8080C>T (p.Arg2694Cys)

Gene: DYNC1H1 (dynein cytoplasmic 1 heavy chain 1; plus strand). Cytogenetic location: 14q32.31.
Variant type: single nucleotide variant.
Coding change: c.8080C>T on transcript NM_001376.5 (MANE Select); coding-DNA position 8080, C replaced by T.
Protein change: p.Arg2694Cys; replaces arginine 2694 with cysteine.
Molecular consequence: missense variant.
Genome position (GRCh38, 1-based): chr14:102,017,407, C>T. VCF-style: chr14-102017407-C-T. GRCh37 (hg19) VCF-style: chr14-102483744-C-T.
Other names: short protein forms R2694C.
Identifiers: ClinVar variation 2576721 (VCV002576721.2), dbSNP rs761683655, ClinGen allele CA7352932.